The following is an entry in ClinVar:

NM_004260.4(RECQL4):c.1446C>T (p.Arg482=)

Gene: RECQL4 (RecQ like helicase 4; minus strand). Cytogenetic location: 8q24.3.
Variant type: single nucleotide variant.
Coding change: c.1446C>T on transcript NM_004260.4 (MANE Select); coding-DNA position 1446, C replaced by T.
Protein change: p.Arg482=; no amino-acid change (arginine 482 retained).
Molecular consequence: synonymous variant.
Genome position (GRCh38, 1-based): chr8:144,515,187, G>A on the plus strand (C>T on the coding strand, the complement: RECQL4 is on the minus strand). VCF-style: chr8-144515187-G-A. GRCh37 (hg19) VCF-style: chr8-145740571-G-A.
Identifiers: ClinVar variation 529067 (VCV000529067.12), dbSNP rs1279339947, ClinGen allele CA463567292.

ClinVar aggregate classification (germline): Likely benign. Review status: criteria provided, multiple submitters, no conflicts (2 of 4 stars). 3 submissions from 3 submitters: Likely benign (3). Last evaluated 2026-06-24.

Conditions:
RECQL4-related disorder. Also called: RECQL4-related condition; RECQL4-related disorders.
Inborn genetic diseases. Identifiers: MedGen C0950123, MeSH D030342.
Baller-Gerold syndrome (BGS). Also called: CRANIOSYNOSTOSIS WITH RADIAL DEFECTS. Identifiers: Orphanet 1225, MedGen C0265308, MONDO:0009039, OMIM 218600.

Allele frequency attached by ClinVar (database versions not stated): gnomAD exomes below 0.00001.

Submissions (3):

PreventionGenetics, part of Exact Sciences
Classification: Likely benign for RECQL4-related condition. Last evaluated: 2026-06-24. Review status: criteria provided, single submitter. Criteria: ACMG Guidelines, 2015. Collection method: clinical testing. Allele origin: germline.
Comment: This variant is classified as likely benign based on ACMG/AMP sequence variant interpretation guidelines (Richards et al. 2015 PMID: 25741868, with internal and published modifications).

Ambry Genetics
Classification: Likely benign for Inborn genetic diseases. Last evaluated: 2024-11-28. Review status: criteria provided, single submitter. Criteria: Ambry Variant Classification Scheme 2023. Collection method: clinical testing. Allele origin: germline.

Labcorp Genetics (formerly Invitae), Labcorp
Classification: Likely benign for Baller-Gerold syndrome. Last evaluated: 2023-07-28. Review status: criteria provided, single submitter. Criteria: Invitae Variant Classification Sherloc (09022015). Collection method: clinical testing. Allele origin: germline.